The following is an entry in ClinVar:

NM_006231.4(POLE):c.2696T>G (p.Ile899Ser)

Gene: POLE (DNA polymerase epsilon, catalytic subunit; minus strand). Cytogenetic location: 12q24.33.
Variant type: single nucleotide variant.
Coding change: c.2696T>G on transcript NM_006231.4 (MANE Select); coding-DNA position 2696, T replaced by G.
Protein change: p.Ile899Ser; replaces isoleucine 899 with serine.
Molecular consequence: missense variant.
Genome position (GRCh38, 1-based): chr12:132,664,014, A>C on the plus strand (T>G on the coding strand, the complement: POLE is on the minus strand). VCF-style: chr12-132664014-A-C. GRCh37 (hg19) VCF-style: chr12-133240600-A-C.
Other names: short protein forms I899S.
Identifiers: ClinVar variation 3650064 (VCV003650064.2).

ClinVar aggregate classification (germline): Uncertain significance (1 of 4 stars; one submission).

Submission:

Labcorp Genetics (formerly Invitae), Labcorp
Classification: Uncertain significance. Last evaluated: 2024-04-16. Review status: criteria provided, single submitter. Criteria: Invitae Variant Classification Sherloc (09022015). Collection method: clinical testing. Allele origin: germline.
Comment: This sequence change replaces isoleucine, which is neutral and non-polar, with serine, which is neutral and polar, at codon 899 of the POLE protein (p.Ile899Ser). This variant is not present in population databases (gnomAD no frequency). This variant has not been reported in the literature in individuals affected with POLE-related conditions. Advanced modeling of protein sequence and biophysical properties (such as structural, functional, and spatial information, amino acid conservation, physicochemical variation, residue mobility, and thermodynamic stability) performed at Invitae indicates that this missense variant is not expected to disrupt POLE protein function with a negative predictive value of 80%. In summary, the available evidence is currently insufficient to determine the role of this variant in disease. Therefore, it has been classified as a Variant of Uncertain Significance.